The following is an entry in ClinVar:

NM_005751.5(AKAP9):c.9829A>G (p.Ile3277Val)

Gene: AKAP9 (A-kinase anchoring protein 9; plus strand). Cytogenetic location: 7q21.2.
Variant type: single nucleotide variant.
Coding change: c.9829A>G on transcript NM_005751.5 (MANE Select); coding-DNA position 9829, A replaced by G.
Protein change: p.Ile3277Val; replaces isoleucine 3277 with valine.
Molecular consequence: missense variant.
Genome position (GRCh38, 1-based): chr7:92,096,788, A>G. VCF-style: chr7-92096788-A-G. GRCh37 (hg19) VCF-style: chr7-91726102-A-G.
Other names: c.4474A>G, p.Ile1492Val (NM_001379277.1); c.9805A>G, p.Ile3269Val (NM_147185.3); short protein forms I1492V, I3277V, I3269V.
Identifiers: ClinVar variation 4034686 (VCV004034686.2).

ClinVar aggregate classification (germline): Uncertain significance. Review status: criteria provided, multiple submitters, no conflicts (2 of 4 stars). 2 submissions from 2 submitters: Uncertain significance (2). Last evaluated 2026-01-14.

Conditions:
Long QT syndrome (LQTS). Identifiers: MedGen C0023976, MeSH D008133, MONDO:0002442. Disease mechanism: loss of function. Inheritance: Various modes of inheritance.
Cardiovascular phenotype. Identifiers: MedGen CN230736.

gnomAD v4.1: 2 of 1,614,244 alleles (0.00012%); highest among the groups gnomAD compares: Non-Finnish European, 0.000085%; no homozygotes.

Submissions (2):

Labcorp Genetics (formerly Invitae), Labcorp
Classification: Uncertain significance for Long QT syndrome. Last evaluated: 2026-01-14. Review status: criteria provided, single submitter. Criteria: Invitae Variant Classification Sherloc (09022015). Collection method: clinical testing. Allele origin: germline.
Comment: This sequence change replaces isoleucine, which is neutral and non-polar, with valine, which is neutral and non-polar, at codon 3277 of the AKAP9 protein (p.Ile3277Val). This variant is present in population databases (no rsID available, gnomAD 0.0009%). This variant has not been reported in the literature in individuals affected with AKAP9-related conditions. ClinVar contains an entry for this variant (Variation ID: 4034686). An algorithm developed to predict the effect of missense changes on protein structure and function outputs the following: PolyPhen-2: "Benign". The valine amino acid residue is found in multiple mammalian species, which suggests that this missense change does not adversely affect protein function. In summary, the available evidence is currently insufficient to determine the role of this variant in disease. Therefore, it has been classified as a Variant of Uncertain Significance.

Ambry Genetics
Classification: Uncertain significance for Cardiovascular phenotype. Last evaluated: 2025-04-19. Review status: criteria provided, single submitter. Criteria: Ambry Variant Classification Scheme 2023. Collection method: clinical testing. Allele origin: germline.